The following is an entry in ClinVar:

NM_172364.5(CACNA2D4):c.2558G>T (p.Gly853Val)

Gene: CACNA2D4 (calcium voltage-gated channel auxiliary subunit alpha2delta 4; minus strand). Cytogenetic location: 12p13.33.
Variant type: single nucleotide variant.
Coding change: c.2558G>T on transcript NM_172364.5 (MANE Select); coding-DNA position 2558, G replaced by T.
Protein change: p.Gly853Val; replaces glycine 853 with valine.
Molecular consequence: missense variant.
Genome position (GRCh38, 1-based): chr12:1,811,717, C>A on the plus strand (G>T on the coding strand, the complement: CACNA2D4 is on the minus strand). VCF-style: chr12-1811717-C-A. GRCh37 (hg19) VCF-style: chr12-1920883-C-A.
Other names: short protein forms G853V.
Identifiers: ClinVar variation 1039860 (VCV001039860.9), dbSNP rs1863716975, ClinGen allele CA383350440.

ClinVar aggregate classification (germline): Uncertain significance (1 of 4 stars; one submission).

Submission:

Labcorp Genetics (formerly Invitae), Labcorp
Classification: Uncertain significance. Last evaluated: 2021-02-26. Review status: criteria provided, single submitter. Criteria: Invitae Variant Classification Sherloc (09022015). Collection method: clinical testing. Allele origin: germline.
Comment: This variant has not been reported in the literature in individuals with CACNA2D4-related conditions. Algorithms developed to predict the effect of missense changes on protein structure and function are either unavailable or do not agree on the potential impact of this missense change (SIFT: "Deleterious"; PolyPhen-2: "Possibly Damaging"; Align-GVGD: "Class C0"). In summary, the available evidence is currently insufficient to determine the role of this variant in disease. Therefore, it has been classified as a Variant of Uncertain Significance. This variant is not present in population databases (ExAC no frequency). This sequence change replaces glycine with valine at codon 853 of the CACNA2D4 protein (p.Gly853Val). The glycine residue is moderately conserved and there is a moderate physicochemical difference between glycine and valine.